The following is an entry in ClinVar:

ClinVar aggregate classification (germline): Pathogenic. Review status: criteria provided, multiple submitters, no conflicts (2 of 4 stars). 5 submissions from 5 submitters: Pathogenic (4). 1 of the submissions does not count toward it. Last evaluated 2024-04-11.

Conditions:
Autosomal recessive limb-girdle muscular dystrophy. Identifiers: Orphanet 102015, MedGen C2931907, MONDO:0015152.
Autosomal recessive limb-girdle muscular dystrophy type 2A (LGMDR1). Also called: MUSCULAR DYSTROPHY, PELVOFEMORAL; Calpainopathy; Muscular dystrophy, limb-girdle, type 2A, Amish; LEYDEN-MOEBIUS MUSCULAR DYSTROPHY; Limb-girdle muscular dystrophy, type 2A. Identifiers: Orphanet 267, MedGen C1869123, MONDO:0009675, OMIM 253600. Disease mechanism: loss of function.

Submissions (5):

Broad Center for Mendelian Genomics, Broad Institute of MIT and Harvard
Classification: Pathogenic for Autosomal recessive limb-girdle muscular dystrophy type 2A. Last evaluated: 2024-04-11. Review status: criteria provided, single submitter. Criteria: ACMG Guidelines, 2015. Collection method: research. Allele origin: germline. Inheritance: Autosomal recessive inheritance. Affected: yes.
Comment: The c.1193+6T>A variant has been reported in >10 individuals with limb-girdle muscular dystrophy (PMID: 22486197, 17994539, 20635405, 30028523), segregated with disease in 5 affected relatives from 1 family (22486197), and absent from large population studies. This variant has also been reported in ClinVar (Variation ID: 813980) and has been interpreted as pathogenic by Women's Health and Genetics/Laboratory Corporation of America (LabCorp), Invitae, and CeGaT Center for Human Genetics Tuebingen. Of the 12 affected individuals, five of those were homozygotes and 5 were compound heterozygotes that carried a reported pathogenic variant in trans or with unknown phase, which increases the likelihood that the c.1193+6T>A variant is pathogenic (Variation ID: 17622, 282173, 217154, 166790; PMID: 22486197, 17994539, 20635405, 30028523). This variant is located in the 3' splice region. Computational tools do suggest an impact to splicing. However, this information is not predictive enough to determine pathogenicity. RT-PCR analysis performed on affected tissue shows possible evidence of intron retention after exon 9 (PMID: 20635405). In summary, this variant meets criteria to be classified as pathogenic for autosomal recessive Limb-Girdle Muscular Dystrophy. ACMG/AMP Criteria applied: PP1_strong, PM3_strong, PVS1_strong, PM2_supporting (Richards 2015).

Labcorp Genetics (formerly Invitae), Labcorp
Classification: Pathogenic for Autosomal recessive limb-girdle muscular dystrophy type 2A. Last evaluated: 2023-10-13. Review status: criteria provided, single submitter. Criteria: Invitae Variant Classification Sherloc (09022015). Collection method: clinical testing. Allele origin: germline.
Comment: This sequence change falls in intron 9 of the CAPN3 gene. It does not directly change the encoded amino acid sequence of the CAPN3 protein. RNA analysis indicates that this variant induces altered splicing and may result in an absent or disrupted protein product. This variant is not present in population databases (gnomAD no frequency). This variant has been observed in individual(s) with autosomal recessive limb-girdle muscular dystrophy 2A (LGMD2A) (PMID: 17994539, 20635405). ClinVar contains an entry for this variant (Variation ID: 813980). Variants that disrupt the consensus splice site are a relatively common cause of aberrant splicing (PMID: 17576681, 9536098). Studies have shown that this variant results in a 31 base pair insertion in intron 9 leading to alternate splicing and introduces a premature termination codon (PMID: 20635405). The resulting mRNA is expected to undergo nonsense-mediated decay. For these reasons, this variant has been classified as Pathogenic.

Women's Health and Genetics/Laboratory Corporation of America, LabCorp
Classification: Pathogenic for Autosomal recessive limb-girdle muscular dystrophy. Last evaluated: 2023-05-04. Review status: criteria provided, single submitter. Criteria: LabCorp Variant Classification Summary - May 2015. Collection method: clinical testing. Allele origin: germline.
Comment: Variant summary: CAPN3 c.1193+6T>A alters a non-conserved nucleotide located close to a canonical splice site and therefore could affect mRNA splicing, leading to a significantly altered protein sequence. Several computational tools predict a significant impact on normal splicing: Three predict the variant weakens the canonical 5' donor site. At least one publication reports experimental evidence that this variant affects splicing by inserting 31 base pair in the intron 9 which introduces a premature termination codon (example: Nascimbeni_2010). The variant was absent in 251312 control chromosomes (gnomAD). c.1193+6T>A has been reported in the literature in multiple bi-allelic individuals affected with Limb-Girdle Muscular Dystrophy, Autosomal Recessive (example: Guglieri_2008, Nascimbeni_2010, and Fanin_2012). These data indicate that the variant is very likely to be associated with disease. The following publications have been ascertained in the context of this evaluation (PMID: 17994539, 20635405, 22486197). Three clinical diagnostic laboratories have submitted clinical-significance assessments for this variant to ClinVar after 2014 and classified the variant as pathogenic (n=2) and VUS (n=1). Based on the evidence outlined above, the variant was classified as pathogenic.

CeGaT Center for Human Genetics Tuebingen
Classification: Pathogenic. Last evaluated: 2021-01-01. Review status: criteria provided, single submitter. Criteria: CeGaT Center For Human Genetics Tuebingen Variant Classification Criteria Version 2. Collection method: clinical testing. Allele origin: germline. Affected: yes. Observed: 1 variant allele.

GeneReviews
No classification provided. Condition: Autosomal recessive limb-girdle muscular dystrophy type 2A. Review status: no classification provided. Collection method: literature only. Allele origin: germline. Not counted in ClinVar's aggregate classification.
Comment: Pathogenic variant most likely the result of a founder effect followed by the Mocheni community in the Fersina River valley in the Italian Alps [Fanin et al 2012].

Literature cited by the submitters: PubMed 17994539 (cited by Labcorp Genetics (formerly Invitae), Labcorp and Women's Health and Genetics/Laboratory Corporation of America, LabCorp); PubMed 20635405 (cited by Labcorp Genetics (formerly Invitae), Labcorp and Women's Health and Genetics/Laboratory Corporation of America, LabCorp); PubMed 17576681 (cited by Labcorp Genetics (formerly Invitae), Labcorp); PubMed 9536098 (cited by Labcorp Genetics (formerly Invitae), Labcorp); PubMed 22486197 (cited by Women's Health and Genetics/Laboratory Corporation of America, LabCorp and GeneReviews).

NM_000070.3(CAPN3):c.1193+6T>A

Gene: CAPN3 (calpain 3; plus strand). Cytogenetic location: 15q15.1.
Variant type: single nucleotide variant.
Coding change: c.1193+6T>A on transcript NM_000070.3 (MANE Select); 6 bases into the intron after coding-DNA position 1193, T replaced by A.
Molecular consequence: intron variant.
Genome position (GRCh38, 1-based): chr15:42,396,883, T>A. VCF-style: chr15-42396883-T-A. GRCh37 (hg19) VCF-style: chr15-42689081-T-A.
Other names: c.1193+6T>A (NM_024344.2); c.1049+6T>A (NM_173087.2).
Identifiers: ClinVar variation 813980 (VCV000813980.47), dbSNP rs1555421532, ClinGen allele CA658820649.